The following is an entry in ClinVar:

NM_001540.5(HSPB1):c.116C>T (p.Pro39Leu)

Gene: HSPB1 (heat shock protein family B (small) member 1; plus strand). Cytogenetic location: 7q11.23.
Variant type: single nucleotide variant.
Coding change: c.116C>T on transcript NM_001540.5 (MANE Select); coding-DNA position 116, C replaced by T.
Protein change: p.Pro39Leu; replaces proline 39 with leucine.
Molecular consequence: missense variant.
Genome position (GRCh38, 1-based): chr7:76,302,828, C>T. VCF-style: chr7-76302828-C-T. GRCh37 (hg19) VCF-style: chr7-75932145-C-T.
Other names: c.116C>T (LRG_248t1); short protein forms P39L.
Identifiers: ClinVar variation 533814 (VCV000533814.55), dbSNP rs557327165, ClinGen allele CA4306259.

ClinVar aggregate classification (germline): Pathogenic/Likely pathogenic. Review status: criteria provided, multiple submitters, no conflicts (2 of 4 stars). 10 submissions from 10 submitters: Pathogenic (7); Likely pathogenic (1). 2 of the submissions do not count toward it. Last evaluated 2026-09-01.

Conditions:
HSPB1-related axonal neuropathies.
Charcot-Marie-Tooth disease axonal type 2F (CMT2F). Also called: CHARCOT-MARIE-TOOTH DISEASE, NEURONAL, TYPE 2F; Charcot-Marie-Tooth Neuropathy Type 2F. Identifiers: Orphanet 99940, MedGen C1847823, MONDO:0011687, OMIM 606595.
Neuronopathy, distal hereditary motor, type 2B. Also called: NEURONOPATHY, DISTAL HEREDITARY MOTOR, AUTOSOMAL DOMINANT 3; NEURONOPATHY, DISTAL HEREDITARY MOTOR, HARDING TYPE IIB; NEUROPATHY, DISTAL HEREDITARY MOTOR, HARDING TYPE IIB; HMN IIB. Identifiers: Orphanet 139525, MedGen C2608087, MONDO:0012080, OMIM 608634.
HSPB1-related disorder. Also called: HSPB1-related disorders; HSPB1-related condition.
Charcot-Marie-Tooth disease. Also called: Charcot-Marie-Tooth Hereditary Neuropathy; Charcot-Marie-Tooth Neuropathy. Identifiers: Orphanet 166, MedGen C0007959, MONDO:0015626.

Allele frequency attached by ClinVar (database versions not stated): gnomAD exomes below 0.00001; ExAC 0.00001; TOPMed 0.00001.
gnomAD v4.1: 13 of 1,605,374 alleles (0.00081%); highest among the groups gnomAD compares: African/African-American, 0.0027%; no homozygotes.

Submissions (10):

CeGaT Center for Human Genetics Tuebingen
Classification: Pathogenic. Last evaluated: 2026-09-01. Review status: criteria provided, single submitter. Criteria: CeGaT Center For Human Genetics Tuebingen Variant Classification Criteria Version 2. Collection method: clinical testing. Allele origin: germline. Affected: yes. Observed: 5 variant alleles.
Comment: HSPB1: PS4, PM2, PP1:Moderate, PM6:Supporting, PS3:Supporting

Labcorp Genetics (formerly Invitae), Labcorp
Classification: Pathogenic for Charcot-Marie-Tooth disease axonal type 2F. Last evaluated: 2025-01-17. Review status: criteria provided, single submitter. Criteria: Invitae Variant Classification Sherloc (09022015). Collection method: clinical testing. Allele origin: germline.
Comment: This sequence change replaces proline, which is neutral and non-polar, with leucine, which is neutral and non-polar, at codon 39 of the HSPB1 protein (p.Pro39Leu). The frequency data for this variant in the population databases is considered unreliable, as metrics indicate poor data quality at this position in the gnomAD database. This missense change has been observed in individuals with autosomal dominant Charcot-Marie-Tooth disease (PMID: 22176143, 27816334, 28144995). It has also been observed to segregate with disease in related individuals. ClinVar contains an entry for this variant (Variation ID: 533814). Invitae Evidence Modeling of protein sequence and biophysical properties (such as structural, functional, and spatial information, amino acid conservation, physicochemical variation, residue mobility, and thermodynamic stability) has been performed for this missense variant. However, the output from this modeling did not meet the statistical confidence thresholds required to predict the impact of this variant on HSPB1 protein function. Experimental studies have shown that this missense change affects HSPB1 function (PMID: 25965061, 28595321). For these reasons, this variant has been classified as Pathogenic.

ARUP Laboratories, Molecular Genetics and Genomics, ARUP Laboratories
Classification: Pathogenic. Last evaluated: 2022-04-18. Review status: criteria provided, single submitter. Criteria: ARUP Molecular Germline Variant Investigation Process 2021. Collection method: clinical testing. Allele origin: germline.
Comment: The HSBP1 c.116C>T; p.Pro39Leu variant (rs557327165) is reported in the literature in multiple individuals and families affected with Charcot-Marie-Tooth disease type 2 and distal hereditary motor neuropathy (Capponi 2011, Echaniz-Laguna 2017, Kalmar 2017, Rossor 2017). Functional analyses of the variant protein show increased protein aggregation, increased resistance to dissociation, reduced chaperone-like activity (Muranova 2015) and mitochondrial dysfunction (Kalmer 2017). This variant is reported in ClinVar (Variation ID: 533814) and is only observed on one allele in the Genome Aggregation Database, indicating it is not a common polymorphism. Based on available information, this variant is considered to be pathogenic. References: Capponi S et al. HSPB1 and HSPB8 in inherited neuropathies: study of an Italian cohort of dHMN and CMT2 patients. J Peripher Nerv Syst. 2011 Dec;16(4):287-94. PMID: 22176143. Echaniz-Laguna A et al. Axonal Neuropathies due to Mutations in Small Heat Shock Proteins: Clinical, Genetic, and Functional Insights into Novel Mutations. Hum Mutat. 2017 May;38(5):556-568. PMID: 28144995. Kalmar B et al. Mitochondrial deficits and abnormal mitochondrial retrograde axonal transport play a role in the pathogenesis of mutant Hsp27-induced Charcot Marie Tooth Disease. Hum Mol Genet. 2017 Sep 1;26(17):3313-3326. PMID: 28595321. Muranova et al. Characterization of Mutants of Human Small Heat Shock Protein HspB1 Carrying Replacements in the N-Terminal Domain and Associated with Hereditary Motor Neuron Diseases. PLoS One. 2015 May 12;10(5):e0126248. PMID: 25965061. Rossor AM et al. Pilot phenotype and natural history study of hereditary neuropathies caused by mutations in the HSPB1 gene. Neuromuscul Disord. 2017 Jan;27(1):50-56. PMID: 27816334.

Athena Diagnostics
Classification: Pathogenic. Last evaluated: 2021-09-09. Review status: criteria provided, single submitter. Criteria: Athena Diagnostics Criteria. Collection method: clinical testing. Allele origin: unknown.
Comment: The frequency of this variant in the general population is consistent with pathogenicity. This variant has been identified in multiple unrelated individuals with clinical features associated with this gene. Assessment of experimental evidence suggests this variant results in abnormal protein function. Expression of this variant in a motor neuron cell line resulted in impaired mitochondrial function and transport (PMID: 28592321).

Illumina Laboratory Services, Illumina
Classification: Pathogenic for HSPB1-related axonal neuropathies. Last evaluated: 2021-06-16. Review status: criteria provided, single submitter. Criteria: ICSLVariantClassificationCriteria RUGD 01 April 2020. Collection method: clinical testing. Allele origin: unknown.
Comment: The HSPB1 c.116C>T (p.Pro39Leu) variant is a missense variant that has been reported in at least three studies, in which it was found in a heterozygous state in at least eight unrelated individuals with Charcot-Marie-Tooth disease type 2 or distal hereditary motor neuropathy (Capponi et al. 2011; Echaniz-Laguna et al. 2017; Tanabe et al. 2018). In several families, multiple affected individuals were heterozygous for the variant and in at least one individual, the variant was shown to be de novo. The p.Pro39Leu variant is reported at a frequency of 0.00001 in the European (non-Finnish) population from the Genome Aggregation Database (version 2.1.1), though this is based on one allele in a region of good sequence coverage, so the variant is presumed to be rare. Physicochemical studies of the p.Pro39Leu variant noted a decrease in phosphorylation-dependent dissociation of large oligomers and decreased chaperoning activity compared to wildtype (Muranova et al. 2015). Furthermore, the p.Pro39Leu variant was associated with mitochondrial dysfunction in motor neurons and increased vulnerability to oxidative stress (Kalmar et al. 2017). Based on the available evidence, the p.Pro39Leu variant is classified as pathogenic for HSPB1-related axonal neuropathies.

Centre for Mendelian Genomics, University Medical Centre Ljubljana
Classification: Pathogenic for Neuronopathy, distal hereditary motor, type 2B. Last evaluated: 2019-01-24. Review status: criteria provided, single submitter. Criteria: ACMG Guidelines, 2015. Collection method: clinical testing. Allele origin: unknown. Affected: yes.
Comment: This variant was classified as: Pathogenic. The following ACMG criteria were applied in classifying this variant: PS1,PS3.

Blueprint Genetics
Classification: Likely pathogenic for HSPB1-related disorders. Last evaluated: 2017-09-20. Review status: criteria provided, single submitter. Criteria: ACMG Guidelines, 2015. Collection method: clinical testing. Allele origin: germline. Affected: yes. Observed: 1 variant allele.

Molecular Genetics Laboratory, London Health Sciences Centre
Classification: Pathogenic for Charcot-Marie-Tooth disease. Review status: criteria provided, single submitter. Criteria: ACMG Guidelines, 2015. Collection method: clinical testing. Allele origin: germline. Affected: yes.

PreventionGenetics, part of Exact Sciences
Classification: Pathogenic for HSPB1-related condition. Last evaluated: 2024-03-05. Review status: no assertion criteria provided. Collection method: clinical testing. Allele origin: germline. Not counted in ClinVar's aggregate classification.
Comment: The HSPB1 c.116C>T variant is predicted to result in the amino acid substitution p.Pro39Leu. This variant was reported in individuals with autosomal dominant Charcot-Marie-Tooth disease, type 2 (Houlden et al 2008. PubMed ID: 18832141; Volodarsky et al 2020. PubMed ID: 32376792; Tanabe et al. 2018. PubMed ID: 29381233). Functional studies suggest that the p.Pro39Leu variant led to abnormal mitochondrial axonal transport and abnormal phosphorylation (Kalmar et al 2017. PubMed ID: 28595321; Muranova et al 2015. PubMed ID: 25965061). This variant is reported in 0.00099% of alleles in individuals of European (Non-Finnish) descent in gnomAD. This variant is interpreted as pathogenic.

Inherited Neuropathy Consortium
Classification: Uncertain significance for Charcot-Marie-Tooth disease. Review status: no assertion criteria provided. Collection method: literature only. Allele origin: germline. Affected: yes. Not counted in ClinVar's aggregate classification.

Literature cited by the submitters: PubMed 22176143 (cited by 3 submitters); PubMed 27816334 (cited by Labcorp Genetics (formerly Invitae), Labcorp and Athena Diagnostics); PubMed 28144995 (cited by 3 submitters); PubMed 25965061 (cited by 3 submitters); PubMed 28595321 (cited by 3 submitters); PubMed 29381233 (cited by Athena Diagnostics and Illumina Laboratory Services, Illumina); PubMed 26077850 (cited by Athena Diagnostics); PubMed 24719117 (cited by Athena Diagnostics); PubMed 31573509 (cited by Athena Diagnostics); PubMed 22484489 (cited by Athena Diagnostics); PubMed 32301006 (cited by Athena Diagnostics); PubMed 32323160 (cited by Athena Diagnostics); PubMed 25999205 (cited by Athena Diagnostics); PubMed 21971574 (cited by Athena Diagnostics); PubMed 30758704 (cited by Athena Diagnostics); PubMed 24607769 (cited by Athena Diagnostics); PubMed 23379525 (cited by Athena Diagnostics); PubMed 18832141 (cited by Athena Diagnostics and Inherited Neuropathy Consortium).